The following is an entry in ClinVar:

NM_000094.4(COL7A1):c.7504G>T (p.Gly2502Ter)

Gene: COL7A1 (collagen type VII alpha 1 chain; minus strand). Cytogenetic location: 3p21.31.
Variant type: single nucleotide variant.
Coding change: c.7504G>T on transcript NM_000094.4 (MANE Select); coding-DNA position 7504, G replaced by T.
Protein change: p.Gly2502Ter; replaces glycine 2502 with a stop codon.
Molecular consequence: nonsense.
Genome position (GRCh38, 1-based): chr3:48,569,897, C>A on the plus strand (G>T on the coding strand, the complement: COL7A1 is on the minus strand). VCF-style: chr3-48569897-C-A. GRCh37 (hg19) VCF-style: chr3-48607330-C-A.
Other names: short protein forms G2502*.
Identifiers: ClinVar variation 5013010 (VCV005013010.1).

ClinVar aggregate classification (germline): Pathogenic (1 of 4 stars; one submission).

Conditions:
Recessive dystrophic epidermolysis bullosa (RDEB). Also called: DYSTROPHIC EPIDERMOLYSIS BULLOSA, AUTOSOMAL RECESSIVE; EPIDERMOLYSIS BULLOSA DYSTROPHICA, HALLOPEAU-SIEMENS TYPE; Hallopeau-Siemens Disease; severe generalized recessive dystrophic epidermolysis bullosa; EPIDERMOLYSIS BULLOSA DYSTROPHICA, GENERALIZED SEVERE, AUTOSOMAL RECESSIVE; Epidermolysis Bullosa Distrophica Autosomal Recessive (RDEB). Identifiers: Orphanet 79408, Orphanet 79409, MedGen C0079474, MONDO:0009179, OMIM 226600.

Submission:

Myriad Genetics, Inc.
Classification: Pathogenic for Recessive dystrophic epidermolysis bullosa. Last evaluated: 2024-05-06. Review status: criteria provided, single submitter. Criteria: Myriad Autosomal Dominant, Autosomal Recessive and X-Linked Classification Criteria (2023). Collection method: clinical testing. Allele origin: unknown.
Comment: NM_000094.3(COL7A1):c.7504G>T(G2502*) is expected to be pathogenic in the context of dystrophic epidermolysis bullosa. This variant is predicted to lead to an abnormal or absent protein product due to the creation of a premature termination codon in COL7A1, a gene where loss-of-function variants are known to be pathogenic. Please note: this variant was assessed in the context of healthy population screening.